The following is an entry in ClinVar:

NM_001130004.2(ACTN1):c.884C>T (p.Pro295Leu)

Gene: ACTN1 (actinin alpha 1; minus strand). Cytogenetic location: 14q24.1.
Variant type: single nucleotide variant.
Coding change: c.884C>T on transcript NM_001130004.2 (MANE Select); coding-DNA position 884, C replaced by T.
Protein change: p.Pro295Leu; replaces proline 295 with leucine.
Molecular consequence: missense variant.
Genome position (GRCh38, 1-based): chr14:68,892,255, G>A on the plus strand (C>T on the coding strand, the complement: ACTN1 is on the minus strand). VCF-style: chr14-68892255-G-A. GRCh37 (hg19) VCF-style: chr14-69358972-G-A.
Other names: c.884C>T, p.Pro295Leu (NM_001102.4, NM_001130005.2, NM_001411035.1); c.689C>T, p.Pro230Leu (NM_001411036.1); short protein forms P230L, P295L.
Identifiers: ClinVar variation 2188616 (VCV002188616.5), dbSNP rs747970717, ClinGen allele CA7242516.

ClinVar aggregate classification (germline): Uncertain significance. Review status: criteria provided, multiple submitters, no conflicts (2 of 4 stars). 2 submissions from 2 submitters: Uncertain significance (2). Last evaluated 2025-06-16.

Conditions:
Inborn genetic diseases. Identifiers: MedGen C0950123, MeSH D030342.

Allele frequency attached by ClinVar (database versions not stated): gnomAD exomes 0.00001; ExAC 0.00002; gnomAD 0.00003; TOPMed 0.00003.
gnomAD v4.1: 25 of 1,613,718 alleles (0.0015%); highest among the groups gnomAD compares: South Asian, 0.0099%; no homozygotes.

Submissions (2):

Labcorp Genetics (formerly Invitae), Labcorp
Classification: Uncertain significance. Last evaluated: 2025-06-16. Review status: criteria provided, single submitter. Criteria: Invitae Variant Classification Sherloc (09022015). Collection method: clinical testing. Allele origin: germline.
Comment: This sequence change replaces proline, which is neutral and non-polar, with leucine, which is neutral and non-polar, at codon 295 of the ACTN1 protein (p.Pro295Leu). This variant is present in population databases (rs747970717, gnomAD 0.009%). This variant has not been reported in the literature in individuals affected with ACTN1-related conditions. ClinVar contains an entry for this variant (Variation ID: 2188616). Invitae Evidence Modeling of protein sequence and biophysical properties (such as structural, functional, and spatial information, amino acid conservation, physicochemical variation, residue mobility, and thermodynamic stability) has been performed for this missense variant. However, the output from this modeling did not meet the statistical confidence thresholds required to predict the impact of this variant on ACTN1 protein function. In summary, the available evidence is currently insufficient to determine the role of this variant in disease. Therefore, it has been classified as a Variant of Uncertain Significance.

Ambry Genetics
Classification: Uncertain significance for Inborn genetic diseases. Last evaluated: 2021-12-07. Review status: criteria provided, single submitter. Criteria: Ambry Variant Classification Scheme 2023. Collection method: clinical testing. Allele origin: germline.